The following is an entry in ClinVar:

ClinVar aggregate classification (germline): Likely pathogenic. Review status: criteria provided, multiple submitters, no conflicts (2 of 4 stars). 3 submissions from 3 submitters: Likely pathogenic (3). Last evaluated 2026-01-21.

Conditions:
TTN-related disorder. Also called: TTN-related disorders; TTN-related condition; TTN-related disease.
Dilated cardiomyopathy 1G (CMD1G). Identifiers: Orphanet 154, MedGen C1858763, MONDO:0011400, OMIM 604145.
Autosomal recessive limb-girdle muscular dystrophy type 2J (LGMDR10). Also called: Limb-girdle muscular dystrophy, type 2J; MUSCULAR DYSTROPHY, LIMB-GIRDLE, AUTOSOMAL RECESSIVE 10. Identifiers: Orphanet 140922, MedGen C1837342, MONDO:0012127, OMIM 608807.

Allele frequency attached by ClinVar (database versions not stated): gnomAD 0.00001.
gnomAD v4.1: 11 of 1,608,058 alleles (0.00068%); highest among the groups gnomAD compares: Non-Finnish European, 0.00094%; no homozygotes.

Submissions (3):

Labcorp Genetics (formerly Invitae), Labcorp
Classification: Likely pathogenic for Dilated cardiomyopathy 1G; Autosomal recessive limb-girdle muscular dystrophy type 2J. Last evaluated: 2026-01-21. Review status: criteria provided, single submitter. Criteria: Invitae Variant Classification Sherloc (09022015). Collection method: clinical testing. Allele origin: germline.
Comment: This sequence change affects a donor splice site in intron 88 of the TTN gene. It is expected to disrupt RNA splicing and likely results in a truncated or disrupted TTN protein. This variant is present in population databases (rs769452066, gnomAD 0.0009%). Disruption of this splice site has been observed in individual(s) with atrial fibrillation (PMID: 30535219). This variant has been reported in individual(s) with autosomal dominant TTN-related conditions (internal data); however, the role of the variant in this condition is currently unclear. ClinVar contains an entry for this variant (Variation ID: 1052448). Algorithms developed to predict the effect of sequence changes on RNA splicing suggest that this variant may disrupt the consensus splice site. This variant is located in the I band of TTN (PMID: 25589632). Truncating variants in this region have been reported in individuals affected with autosomal recessive centronuclear myopathy (PMID: 23975875, internal data). Truncating variants in this region have also been identified in individuals affected with autosomal dominant dilated cardiomyopathy and/or cardio-related conditions (PMID: 27869827, 32964742, internal data). In summary, the currently available evidence indicates that the variant is pathogenic, but additional data are needed to prove that conclusively. Therefore, this variant has been classified as Likely Pathogenic.

PreventionGenetics, part of Exact Sciences
Classification: Likely pathogenic for TTN-related condition. Last evaluated: 2025-12-05. Review status: criteria provided, single submitter. Criteria: ACMG Guidelines, 2015. Collection method: clinical testing. Allele origin: germline.
Comment: The TTN c.25639+2T>G variant is predicted to disrupt the GT donor site and interfere with normal splicing. This variant has been reported in an individual with atrial fibrillation (eTable 5, Choi et al. 2018. PubMed ID: 30535219). This variant is reported in 0.00090% of alleles in individuals of European (Non-Finnish) descent in gnomAD. This variant affects the canonical splice site of an exon which is located in the I-band region of the TTN protein. RNAseq studies from heart tissue indicate this exon is not commonly included in TTN mRNA transcripts (PSI of 8%-37%, Roberts et al. 2015. PubMed ID: 25589632). TTN loss-of-function variants occurring in non-constitutively expressed exons (PSI < 90%) are less likely to be disease causing for TTN cardiac-related disorders (Roberts et al. 2015. PubMed ID: 25589632; Schafer et al. 2017. PubMed ID: 27869827; Akhtar et al. 2020. PubMed ID: 32964742). Many cases of recessive TTN-related myopathies in which the individual is compound heterozygous for two loss-of-function variants in TTN have also been reported (Oates et al. 2018. PubMed ID: 29691892; Ge et al. 2019. PubMed ID: 31053406; Rees et al. 2021. PubMed ID: 33449170). In summary, this variant is likely pathogenic for autosomal recessive TTN-related congenital titinopathies. However, it is uncertain if this variant would be causative for autosomal dominant TTN-related disorders.

AiLife Diagnostics
Classification: Likely pathogenic. Last evaluated: 2022-02-16. Review status: criteria provided, single submitter. Criteria: ACMG Guidelines, 2015. Collection method: clinical testing. Allele origin: germline. Affected: yes. Observed: 2 variant alleles.

Literature cited by the submitters: PubMed 30535219 (cited by Labcorp Genetics (formerly Invitae), Labcorp and AiLife Diagnostics); PubMed 25589632 (cited by Labcorp Genetics (formerly Invitae), Labcorp); PubMed 23975875 (cited by Labcorp Genetics (formerly Invitae), Labcorp); PubMed 27869827 (cited by Labcorp Genetics (formerly Invitae), Labcorp); PubMed 32964742 (cited by Labcorp Genetics (formerly Invitae), Labcorp).

NM_001267550.2(TTN):c.25639+2T>G

Gene: TTN (titin; minus strand). Cytogenetic location: 2q31.2.
Variant type: single nucleotide variant.
Coding change: c.25639+2T>G on transcript NM_001267550.2 (MANE Select); the canonical splice donor site of the intron after coding-DNA position 25639, T replaced by G.
Molecular consequence: splice donor variant. On other transcripts: intron variant (3).
Genome position (GRCh38, 1-based): chr2:178,717,093, A>C on the plus strand (T>G on the coding strand, the complement: TTN is on the minus strand). VCF-style: chr2-178717093-A-C. GRCh37 (hg19) VCF-style: chr2-179581820-A-C.
Other names: c.13282+20989T>G (NM_003319.4); c.13858+20989T>G (NM_133437.4); c.13657+20989T>G (NM_133432.3); c.21907+2T>G (NM_133378.4); c.24688+2T>G (NM_001256850.1).
Identifiers: ClinVar variation 1052448 (VCV001052448.10), dbSNP rs769452066, ClinGen allele CA2000183.
Genomic context (GRCh38, chr2:178,717,093, plus strand): 5'-CTCCTATATTTTAAGATACTGAAAATGTAAAAGAGATCTTGCTCCTTCACTCTAACAAGT[A>C]CCTTGTACACCCAGCTGAGCAGAACAAGAGTCTTTTCCAGCGATGTTGCTTGCATAGCAG-3'